The following is an entry in ClinVar:

ClinVar aggregate classification (germline): Pathogenic/Likely pathogenic. Review status: criteria provided, multiple submitters, no conflicts (2 of 4 stars). 8 submissions from 8 submitters: Pathogenic (1); Likely pathogenic (6). 1 of the submissions does not count toward it. Last evaluated 2026-02-24.

Conditions:
Deficiency of butyryl-CoA dehydrogenase (ACADSD). Also called: ACYL-CoA DEHYDROGENASE, SHORT-CHAIN, DEFICIENCY OF; ACADS DEFICIENCY; Short-Chain Acyl-CoA Dehydrogenase Deficiency; SCADH DEFICIENCY; SCAD Deficiency; SCAD DEFICIENCY, MILD. Identifiers: Orphanet 26792, MedGen C0342783, MONDO:0008722, OMIM 201470. Disease mechanism: May be benign.

Allele frequency attached by ClinVar (database versions not stated): ExAC 0.00004; gnomAD 0.00006; gnomAD exomes 0.00007 and 0.00003; TOPMed 0.00005; 1000 Genomes Project 30x 0.00016; 1000 Genomes Project 0.00020.
gnomAD v4.1: 110 of 1,610,680 alleles (0.0068%); highest among the groups gnomAD compares: South Asian, 0.0088%; no homozygotes.

Submissions (8):

Dasa
Classification: Likely pathogenic. Last evaluated: 2026-02-24. Review status: criteria provided, single submitter. Criteria: DASA Assertion Criteria. Collection method: clinical testing. Allele origin: germline.
Comment: NM_000017.4(ACADS):c.814C>T (p.Arg272Cys) is a missense variant that results in the substitution of arginine with cysteine. The affected residue or protein region has prior evidence supporting clinical relevance. This variant has been recurrently observed in individuals with ACADS-related disorders (PMID: 27051597; PMID: 27938594). Also, this variant is rare in population databases. Computational evidence supports a deleterious effect. Based on the currently available evidence, this variant is classified as likely pathogenic.

Labcorp Genetics (formerly Invitae), Labcorp
Classification: Pathogenic for Deficiency of butyryl-CoA dehydrogenase. Last evaluated: 2024-10-28. Review status: criteria provided, single submitter. Criteria: Invitae Variant Classification Sherloc (09022015). Collection method: clinical testing. Allele origin: germline.
Comment: This sequence change replaces arginine, which is basic and polar, with cysteine, which is neutral and slightly polar, at codon 272 of the ACADS protein (p.Arg272Cys). This variant is present in population databases (rs539219309, gnomAD 0.008%). This missense change has been observed in individuals with short-chain acyl-coenzyme A dehydrogenase deficiency (PMID: 27051597; internal data). ClinVar contains an entry for this variant (Variation ID: 377422). Invitae Evidence Modeling of protein sequence and biophysical properties (such as structural, functional, and spatial information, amino acid conservation, physicochemical variation, residue mobility, and thermodynamic stability) indicates that this missense variant is expected to disrupt ACADS protein function with a positive predictive value of 95%. This variant disrupts the p.Arg272 amino acid residue in ACADS. Other variant(s) that disrupt this residue have been observed in individuals with ACADS-related conditions (PMID: 32710939), which suggests that this may be a clinically significant amino acid residue. For these reasons, this variant has been classified as Pathogenic.

GeneDx
Classification: Likely pathogenic. Last evaluated: 2024-07-08. Review status: criteria provided, single submitter. Criteria: GeneDx Variant Classification Process June 2021. Collection method: clinical testing. Allele origin: germline. Affected: yes.
Comment: Not observed at significant frequency in large population cohorts (gnomAD); In silico analysis supports that this missense variant has a deleterious effect on protein structure/function; This variant is associated with the following publications: (PMID: 18836889, 27938594, 27051597, 33895855, 38137468)

Fulgent Genetics
Classification: Likely pathogenic for Deficiency of butyryl-CoA dehydrogenase. Last evaluated: 2024-05-06. Review status: criteria provided, single submitter. Criteria: ACMG Guidelines, 2015. Collection method: clinical testing. Allele origin: germline.

Women's Health and Genetics/Laboratory Corporation of America, LabCorp
Classification: Likely pathogenic for Deficiency of butyryl-CoA dehydrogenase. Last evaluated: 2023-11-13. Review status: criteria provided, single submitter. Criteria: LabCorp Variant Classification Summary - May 2015. Collection method: clinical testing. Allele origin: germline.
Comment: Variant summary: ACADS c.814C>T (p.Arg272Cys) results in a non-conservative amino acid change to a highly conserved residue (HGMD) located in the Acyl-CoA dehydrogenase/oxidase, C-terminal domain (IPR009075) of the encoded protein sequence. Five of five in-silico tools predict a damaging effect of the variant on protein function. The variant allele was found at a frequency of 3.2e-05 in 247630 control chromosomes (gnomAD). c.814C>T has been reported in the literature in individuals affected with Deficiency Of Butyryl-CoA Dehydrogenase (Tonin_2016, Huang_2016). These data indicate that the variant is likely to be associated with disease. To our knowledge, no experimental evidence demonstrating an impact on protein function has been reported. The following publications have been ascertained in the context of this evaluation (PMID: 27051597, 33895855, 27938594). Five submitters have cited clinical-significance assessments for this variant to ClinVar after 2014, and classified it as likely pathogenic (n=4) or uncertain significance (n=1). Based on the evidence outlined above, the variant was classified as likely pathogenic.

Institute for Medical Genetics and Human Genetics, Charité - Universitätsmedizin Berlin
Classification: Likely pathogenic for Deficiency of butyryl-CoA dehydrogenase. Last evaluated: 2022-09-27. Review status: criteria provided, single submitter. Criteria: ACMG Guidelines, 2015. Collection method: clinical testing. Allele origin: germline. Inheritance: Autosomal recessive inheritance. Affected: yes. Observed: 1 compound heterozygote.

Genome-Nilou Lab
Classification: Likely pathogenic for Deficiency of butyryl-CoA dehydrogenase. Last evaluated: 2021-11-07. Review status: criteria provided, single submitter. Criteria: ACMG Guidelines, 2015. Collection method: clinical testing. Allele origin: germline. Affected: no.

Counsyl
Classification: Uncertain significance for Deficiency of butyryl-CoA dehydrogenase. Last evaluated: 2019-01-24. Review status: no assertion criteria provided. Collection method: clinical testing. Allele origin: unknown. Not counted in ClinVar's aggregate classification.

Literature cited by the submitters: PubMed 39449356 (cited by Dasa); PubMed 27051597 (cited by 4 submitters); PubMed 27938594 (cited by 3 submitters); PubMed 32710939 (cited by Labcorp Genetics (formerly Invitae), Labcorp); PubMed 33895855 (cited by Women's Health and Genetics/Laboratory Corporation of America, LabCorp).

NM_000017.4(ACADS):c.814C>T (p.Arg272Cys)

Gene: ACADS (acyl-CoA dehydrogenase short chain; plus strand). Cytogenetic location: 12q24.31.
Variant type: single nucleotide variant.
Coding change: c.814C>T on transcript NM_000017.4 (MANE Select); coding-DNA position 814, C replaced by T.
Protein change: p.Arg272Cys; replaces arginine 272 with cysteine.
Molecular consequence: missense variant.
Genome position (GRCh38, 1-based): chr12:120,738,551, C>T. VCF-style: chr12-120738551-C-T. GRCh37 (hg19) VCF-style: chr12-121176354-C-T.
Other names: c.802C>T, p.Arg268Cys (NM_001302554.2); short protein forms R272C, R268C.
Identifiers: ClinVar variation 377422 (VCV000377422.23), dbSNP rs539219309, ClinGen allele CA6831082.